The following is an entry in ClinVar:

ClinVar aggregate classification (germline): Uncertain significance. Review status: criteria provided, multiple submitters, no conflicts (2 of 4 stars). 2 submissions from 2 submitters: Uncertain significance (2). Last evaluated 2021-05-22.

Conditions:
Hereditary cancer-predisposing syndrome. Also called: Hereditary Cancer Syndrome; Hereditary neoplastic syndrome; Tumor predisposition; Neoplastic Syndromes, Hereditary. Identifiers: Orphanet 140162, MedGen C0027672, MeSH D009386, MONDO:0015356.
Cardiovascular phenotype. Identifiers: MedGen CN230736.
Neurofibromatosis, type 1 (NF1). Also called: NEUROFIBROMATOSIS, TYPE I, SOMATIC; VON RECKLINGHAUSEN DISEASE; Neurofibromatosis, type I; Peripheral type neurofibromatosis. Identifiers: Orphanet 636, MedGen C0027831, MONDO:0018975, OMIM 162200. Disease mechanism: loss of function.

Submissions (2):

Ambry Genetics
Classification: Uncertain significance for Cardiovascular phenotype; Hereditary cancer-predisposing syndrome. Last evaluated: 2021-05-22. Review status: criteria provided, single submitter. Criteria: Ambry Variant Classification Scheme 2023. Collection method: clinical testing. Allele origin: germline.
Comment: The p.K1062E variant (also known as c.3184A>G), located in coding exon 24 of the NF1 gene, results from an A to G substitution at nucleotide position 3184. The lysine at codon 1062 is replaced by glutamic acid, an amino acid with similar properties. This amino acid position is highly conserved in available vertebrate species. In addition, the in silico prediction for this alteration is inconclusive. Since supporting evidence is limited at this time, the clinical significance of this alteration remains unclear.

Labcorp Genetics (formerly Invitae), Labcorp
Classification: Uncertain significance for Neurofibromatosis, type 1. Last evaluated: 2021-05-16. Review status: criteria provided, single submitter. Criteria: Invitae Variant Classification Sherloc (09022015). Collection method: clinical testing. Allele origin: germline.
Comment: This variant has not been reported in the literature in individuals with NF1-related conditions. This sequence change replaces lysine with glutamic acid at codon 1062 of the NF1 protein (p.Lys1062Glu). The lysine residue is moderately conserved and there is a small physicochemical difference between lysine and glutamic acid. This variant is not present in population databases (ExAC no frequency). Algorithms developed to predict the effect of missense changes on protein structure and function are either unavailable or do not agree on the potential impact of this missense change (SIFT: "Tolerated"; PolyPhen-2: "Probably Damaging"; Align-GVGD: "Class C0"). In summary, the available evidence is currently insufficient to determine the role of this variant in disease. Therefore, it has been classified as a Variant of Uncertain Significance.

NM_001042492.3(NF1):c.3184A>G (p.Lys1062Glu)

Gene: NF1 (neurofibromin 1; plus strand). Cytogenetic location: 17q11.2.
Variant type: single nucleotide variant.
Coding change: c.3184A>G on transcript NM_001042492.3 (MANE Select); coding-DNA position 3184, A replaced by G.
Protein change: p.Lys1062Glu; replaces lysine 1062 with glutamic acid.
Molecular consequence: missense variant.
Genome position (GRCh38, 1-based): chr17:31,230,912, A>G. VCF-style: chr17-31230912-A-G. GRCh37 (hg19) VCF-style: chr17-29557930-A-G.
Other names: c.3184A>G, p.Lys1062Glu (NM_000267.4); short protein forms K1062E.
Identifiers: ClinVar variation 1353844 (VCV001353844.10), dbSNP rs2151432521, ClinGen allele CA398988254.
Genomic context (GRCh38, chr17:31,230,912, plus strand): 5'-GTAGAATACCTGACAGACTGGGTTATGGGAACATCAAACCAAGCAGCAGATGATGATGTA[A>G]AATGTCTTACAAGGTAAAAAAAGAATGACCTTCAAGTATTAGTGGGTTTTACTGTGAGAG-3'
Protein context (NP_001035957.1, residues 1052-1072): TSNQAADDDV[Lys1062Glu]CLTRDLDQAS